The following is an entry in ClinVar:

NM_002691.4(POLD1):c.1972C>G (p.Gln658Glu)

Gene: POLD1 (DNA polymerase delta 1, catalytic subunit; plus strand). Cytogenetic location: 19q13.33.
Variant type: single nucleotide variant.
Coding change: c.1972C>G on transcript NM_002691.4 (MANE Select); coding-DNA position 1972, C replaced by G.
Protein change: p.Gln658Glu; replaces glutamine 658 with glutamic acid.
Molecular consequence: missense variant. On other transcripts: non-coding transcript variant (1).
Genome position (GRCh38, 1-based): chr19:50,409,201, C>G. VCF-style: chr19-50409201-C-G. GRCh37 (hg19) VCF-style: chr19-50912458-C-G.
Other names: c.1972C>G, p.Gln658Glu (NM_001256849.1); c.2050C>G, p.Gln684Glu (NM_001308632.1); short protein forms Q684E, Q658E.
Identifiers: ClinVar variation 3422006 (VCV003422006.1).

ClinVar aggregate classification (germline): Uncertain significance (1 of 4 stars; one submission).

Conditions:
Hereditary cancer-predisposing syndrome. Also called: Neoplastic Syndromes, Hereditary; Tumor predisposition; Hereditary Cancer Syndrome; Hereditary neoplastic syndrome. Identifiers: Orphanet 140162, MedGen C0027672, MeSH D009386, MONDO:0015356.

Submission:

Ambry Genetics
Classification: Uncertain significance for Hereditary cancer-predisposing syndrome. Last evaluated: 2024-11-14. Review status: criteria provided, single submitter. Criteria: Ambry Variant Classification Scheme 2023. Collection method: clinical testing. Allele origin: germline.
Comment: The p.Q658E variant (also known as c.1972C>G), located in coding exon 15 of the POLD1 gene, results from a C to G substitution at nucleotide position 1972. The glutamine at codon 658 is replaced by glutamic acid, an amino acid with highly similar properties. This amino acid position is conserved. In addition, this alteration is predicted to be tolerated by in silico analysis. Based on the available evidence, the clinical significance of this variant remains unclear.